The following is an entry in ClinVar:

ClinVar aggregate classification (germline): Conflicting classifications of pathogenicity. Review status: criteria provided, conflicting classifications (1 of 4 stars). 3 submissions from 3 submitters: Uncertain significance (2); Likely benign (1). Last evaluated 2025-10-15.

Conditions:
Neuropathy, hereditary sensory, type 2C. Also called: KIF1A-Related HSAN2 (HSAN2C); Hereditary sensory and autonomic neuropathy type IIC. Identifiers: Orphanet 970, MedGen C3280168, MONDO:0013634, OMIM 614213.
Intellectual disability, autosomal dominant 9 (NESCAVS). Also called: NESCAV SYNDROME; KIF1A-Related Neurodevelopmental Disorder. Identifiers: Orphanet 662367, MedGen C5393830, MONDO:0013656, OMIM 614255.
Hereditary spastic paraplegia 30. Identifiers: Orphanet 101010, MedGen C5235139, MONDO:0012476.

Allele frequency attached by ClinVar (database versions not stated): gnomAD 0.00001; gnomAD exomes 0.00001 and 0.00002; TOPMed 0.00001; ExAC 0.00002.
gnomAD v4.1: 21 of 1,611,092 alleles (0.0013%); highest among the groups gnomAD compares: Admixed American, 0.0067%; no homozygotes.

Submissions (3):

Labcorp Genetics (formerly Invitae), Labcorp
Classification: Likely benign for Hereditary spastic paraplegia 30; Neuropathy, hereditary sensory, type 2C; Intellectual disability, autosomal dominant 9. Last evaluated: 2025-10-15. Review status: criteria provided, single submitter. Criteria: Invitae Variant Classification Sherloc (09022015). Collection method: clinical testing. Allele origin: germline.

GeneDx
Classification: Uncertain significance. Last evaluated: 2023-08-29. Review status: criteria provided, single submitter. Criteria: GeneDx Variant Classification Process June 2021. Collection method: clinical testing. Allele origin: germline.
Comment: In silico analysis supports that this missense variant has a deleterious effect on protein structure/function; Has not been previously published as pathogenic or benign to our knowledge

Blueprint Genetics
Classification: Uncertain significance. Last evaluated: 2022-08-17. Review status: criteria provided, single submitter. Criteria: ACMG Guidelines, 2015. Collection method: clinical testing. Allele origin: germline.

NM_001244008.2(KIF1A):c.4205C>T (p.Ser1402Leu)

Gene: KIF1A (kinesin family member 1A; minus strand). Cytogenetic location: 2q37.3.
Variant type: single nucleotide variant.
Coding change: c.4205C>T on transcript NM_001244008.2 (MANE Select); coding-DNA position 4205, C replaced by T.
Protein change: p.Ser1402Leu; replaces serine 1402 with leucine.
Molecular consequence: missense variant.
Genome position (GRCh38, 1-based): chr2:240,725,322, G>A on the plus strand (C>T on the coding strand, the complement: KIF1A is on the minus strand). VCF-style: chr2-240725322-G-A. GRCh37 (hg19) VCF-style: chr2-241664739-G-A.
Other names: c.3929C>T, p.Ser1310Leu (NM_001320705.2, NM_001379649.1); c.3956C>T, p.Ser1319Leu (NM_001330289.2); c.4004C>T, p.Ser1335Leu (NM_001330290.2, NM_001379648.1); c.4280C>T, p.Ser1427Leu (NM_001379631.1); c.4181C>T, p.Ser1394Leu (NM_001379632.1); c.4178C>T, p.Ser1393Leu (NM_001379633.1, NM_001379645.1); c.4031C>T, p.Ser1344Leu (NM_001379634.1); c.4028C>T, p.Ser1343Leu (NM_001379635.1, NM_001379646.1); and 7 more; short protein forms S1300L, S1309L, S1339L, S1301L, S1318L, S1335L, S1402L, S1310L.
Identifiers: ClinVar variation 1355516 (VCV001355516.11), dbSNP rs764487659, ClinGen allele CA2207467.
Genomic context (GRCh38, chr2:240,725,322, plus strand): 5'-GGAGCTTACCTCTCTGAGGCCCGAAGGCTCCCACTGCCAAAGAGGTTGCGGATGGAGCGC[G>A]AGGCTGGCAGCTTGGCATCACGGGAATAGAAGACCATGCAGAAGTCCTTGGTGACAACAG-3'
Protein context (NP_001230937.1, residues 1392-1412): FYSRDAKLPA[Ser1402Leu]RSIRNLFGSG